The following is an entry in ClinVar:

ClinVar aggregate classification (germline): Uncertain significance (1 of 4 stars; one submission).

Conditions:
Familial temporal lobe epilepsy 7. Identifiers: Orphanet 101046, MedGen C4225327, MONDO:0014639, OMIM 616436.

Submission:

Centre for Mendelian Genomics, University Medical Centre Ljubljana
Classification: Uncertain significance for Familial temporal lobe epilepsy 7. Last evaluated: 2019-05-24. Review status: criteria provided, single submitter. Criteria: ACMG Guidelines, 2015. Collection method: clinical testing. Allele origin: unknown. Affected: yes.
Comment: This variant was classified as: Uncertain significance. The available evidence on this variant's pathogenicity is insufficient or conflicting. The following ACMG criteria were applied in classifying this variant: PM2,PP3.

NM_005045.4(RELN):c.5662G>A (p.Gly1888Arg)

Gene: RELN (reelin; minus strand). Cytogenetic location: 7q22.1.
Variant type: single nucleotide variant.
Coding change: c.5662G>A on transcript NM_005045.4 (MANE Select); coding-DNA position 5662, G replaced by A.
Protein change: p.Gly1888Arg; replaces glycine 1888 with arginine.
Molecular consequence: missense variant.
Genome position (GRCh38, 1-based): chr7:103,557,112, C>T on the plus strand (G>A on the coding strand, the complement: RELN is on the minus strand). VCF-style: chr7-103557112-C-T. GRCh37 (hg19) VCF-style: chr7-103197559-C-T.
Other names: c.5662G>A, p.Gly1888Arg (NM_173054.3); short protein forms G1888R.
Identifiers: ClinVar variation 931030 (VCV000931030.3), dbSNP rs1830541169, ClinGen allele CA368741852.